The following is an entry in ClinVar:

NM_000143.4(FH):c.1408A>C (p.Lys470Gln)

Gene: FH (fumarate hydratase; minus strand). Cytogenetic location: 1q43.
Variant type: single nucleotide variant.
Coding change: c.1408A>C on transcript NM_000143.4 (MANE Select); coding-DNA position 1408, A replaced by C.
Protein change: p.Lys470Gln; replaces lysine 470 with glutamine.
Molecular consequence: missense variant.
Genome position (GRCh38, 1-based): chr1:241,497,953, T>G on the plus strand (A>C on the coding strand, the complement: FH is on the minus strand). VCF-style: chr1-241497953-T-G. GRCh37 (hg19) VCF-style: chr1-241661253-T-G.
Other names: short protein forms K470Q.
Identifiers: ClinVar variation 5021763 (VCV005021763.1).
Genomic context (GRCh38, chr1:241,497,953, plus strand): 5'-CAAGTTCGATAGCAGTTTCCTTTAAGGTTGATCCATTTTTGTGTGCTGTCTTAGCAATCT[T>G]TGCTGCCTTGTCATACCCTGAAGAAAAAATAAAAAGACGACATATGGGTTAGCAGTGATA-3'
Protein context (NP_000134.2, residues 460-480): NPHIGYDKAA[Lys470Gln]IAKTAHKNGS

ClinVar aggregate classification (germline): Uncertain significance (1 of 4 stars; one submission).

Conditions:
Hereditary cancer-predisposing syndrome. Also called: Neoplastic Syndromes, Hereditary; Tumor predisposition; Hereditary neoplastic syndrome; Hereditary Cancer Syndrome. Identifiers: Orphanet 140162, MedGen C0027672, MeSH D009386, MONDO:0015356.

Submission:

Ambry Genetics
Classification: Uncertain significance for Hereditary cancer-predisposing syndrome. Last evaluated: 2026-07-07. Review status: criteria provided, single submitter. Criteria: Ambry Variant Classification Scheme 2023. Collection method: clinical testing. Allele origin: germline.
Comment: The p.K470Q variant (also known as c.1408A>C), located in coding exon 10 of the FH gene, results from an A to C substitution at nucleotide position 1408. The lysine at codon 470 is replaced by glutamine, an amino acid with similar properties. This amino acid position is conserved. In addition, this alteration is predicted to be tolerated by in silico analysis. Based on the available evidence, the clinical significance of this variant remains unclear.